The following is an entry in ClinVar:

ClinVar aggregate classification (germline): Uncertain significance. Review status: criteria provided, multiple submitters, no conflicts (2 of 4 stars). 4 submissions from 4 submitters: Uncertain significance (4). Last evaluated 2025-09-02.

Conditions:
Hereditary cancer-predisposing syndrome. Also called: Neoplastic Syndromes, Hereditary; Tumor predisposition; Hereditary Cancer Syndrome; Hereditary neoplastic syndrome. Identifiers: Orphanet 140162, MedGen C0027672, MeSH D009386, MONDO:0015356.
Neuroblastoma, susceptibility to, 3. Also called: ALK-Related Neuroblastic Tumor Susceptibility. Identifiers: Orphanet 635, MedGen C2751681, MONDO:0013083, OMIM 613014.

gnomAD v4.1: 2 of 1,562,394 alleles (0.00013%); highest among the groups gnomAD compares: East Asian, 0.0024%; no homozygotes.

Submissions (4):

Labcorp Genetics (formerly Invitae), Labcorp
Classification: Uncertain significance for Neuroblastoma, susceptibility to, 3. Last evaluated: 2025-09-02. Review status: criteria provided, single submitter. Criteria: Invitae Variant Classification Sherloc (09022015). Collection method: clinical testing. Allele origin: germline.
Comment: This sequence change replaces aspartic acid, which is acidic and polar, with tyrosine, which is neutral and polar, at codon 94 of the ALK protein (p.Asp94Tyr). This variant is not present in population databases (gnomAD no frequency). This variant has not been reported in the literature in individuals affected with ALK-related conditions. ClinVar contains an entry for this variant (Variation ID: 538262). An algorithm developed to predict the effect of missense changes on protein structure and function (PolyPhen-2) suggests that this variant is likely to be disruptive. In summary, the available evidence is currently insufficient to determine the role of this variant in disease. Therefore, it has been classified as a Variant of Uncertain Significance.

Ambry Genetics
Classification: Uncertain significance for Hereditary cancer-predisposing syndrome. Last evaluated: 2024-04-29. Review status: criteria provided, single submitter. Criteria: Ambry Variant Classification Scheme 2023. Collection method: clinical testing. Allele origin: germline.
Comment: The p.D94Y variant (also known as c.280G>T), located in coding exon 1 of the ALK gene, results from a G to T substitution at nucleotide position 280. The aspartic acid at codon 94 is replaced by tyrosine, an amino acid with highly dissimilar properties. This amino acid position is conserved. In addition, this alteration is predicted to be deleterious by in silico analysis. Since supporting evidence is limited at this time, the clinical significance of this alteration remains unclear.

GeneDx
Classification: Uncertain significance. Last evaluated: 2024-01-28. Review status: criteria provided, single submitter. Criteria: GeneDx Variant Classification Process June 2021. Collection method: clinical testing. Allele origin: germline. Affected: yes.
Comment: Not observed at significant frequency in large population cohorts (gnomAD); In silico analysis supports that this missense variant does not alter protein structure/function; Has not been previously published as pathogenic or benign to our knowledge

Baylor Genetics
Classification: Uncertain significance for Neuroblastoma, susceptibility to, 3. Last evaluated: 2023-10-17. Review status: criteria provided, single submitter. Criteria: ACMG Guidelines, 2015. Collection method: clinical testing. Allele origin: unknown.

NM_004304.5(ALK):c.280G>T (p.Asp94Tyr)

Gene: ALK (ALK receptor tyrosine kinase; minus strand). Cytogenetic location: 2p23.1.
Variant type: single nucleotide variant.
Coding change: c.280G>T on transcript NM_004304.5 (MANE Select); coding-DNA position 280, G replaced by T.
Protein change: p.Asp94Tyr; replaces aspartic acid 94 with tyrosine.
Molecular consequence: missense variant.
Genome position (GRCh38, 1-based): chr2:29,920,380, C>A on the plus strand (G>T on the coding strand, the complement: ALK is on the minus strand). VCF-style: chr2-29920380-C-A. GRCh37 (hg19) VCF-style: chr2-30143246-C-A.
Other names: short protein forms D94Y.
Identifiers: ClinVar variation 538262 (VCV000538262.12), dbSNP rs1060500234, ClinGen allele CA346590345.